The following is an entry in ClinVar:

NM_139137.4(KCNC2):c.1855T>C (p.Ser619Pro)

Gene: KCNC2 (potassium voltage-gated channel subfamily C member 2; minus strand). Cytogenetic location: 12q21.1.
Variant type: single nucleotide variant.
Coding change: c.1855T>C on transcript NM_139137.4 (MANE Select); coding-DNA position 1855, T replaced by C.
Protein change: p.Ser619Pro; replaces serine 619 with proline.
Molecular consequence: missense variant. On other transcripts: 3 prime UTR variant (6), non-coding transcript variant (1), intron variant (6).
Genome position (GRCh38, 1-based): chr12:75,043,167, A>G on the plus strand (T>C on the coding strand, the complement: KCNC2 is on the minus strand). VCF-style: chr12-75043167-A-G. GRCh37 (hg19) VCF-style: chr12-75436947-A-G.
Other names: c.*570T>C (NM_001260497.2, NM_001414197.1, NM_001414198.1); c.1690T>C, p.Ser564Pro (NM_001260499.2); c.1855T>C, p.Ser619Pro (NM_001414192.1); c.1816T>C, p.Ser606Pro (NM_001414193.1); c.1804T>C, p.Ser602Pro (NM_001414194.1); c.*120T>C (NM_001414202.1); c.*692T>C (NM_001414206.1, NM_001414213.1); c.1616-1719T>C (NM_001414199.1); and 3 more; short protein forms S564P, S602P, S606P, S619P.
Identifiers: ClinVar variation 4690114 (VCV004690114.1).
Genomic context (GRCh38, chr12:75,043,167, plus strand): 5'-ACAAGATAGATGGGATGGGAGATCGAGAGCGCCTCAGAGGACAAGGAGAGTTGTAGGGTG[A>G]TGTTACTGGAGAGAGCCTCAGAGCATTGCCTGCCAAGCCCGCTATGTTGTTTAAGCTTCG-3'
Protein context (NP_631875.1, residues 609-629): GNALRLSPVT[Ser619Pro]PYNSPCPLRR

ClinVar aggregate classification (germline): Uncertain significance (1 of 4 stars; one submission).

Submission:

GeneDx
Classification: Uncertain significance. Last evaluated: 2025-07-29. Review status: criteria provided, single submitter. Criteria: GeneDx Variant Classification Process June 2021. Collection method: clinical testing. Allele origin: germline. Affected: yes.
Comment: Not observed at significant frequency in large population cohorts (gnomAD); In silico analysis suggests that this missense variant does not alter protein structure/function; Has not been previously published as pathogenic or benign to our knowledge